The following is an entry in ClinVar:

ClinVar aggregate classification (germline): Uncertain significance (1 of 4 stars; one submission).

gnomAD v4.1: 8 of 1,611,284 alleles (0.0005%); highest among the groups gnomAD compares: Admixed American, 0.01%; no homozygotes.

Submission:

Labcorp Genetics (formerly Invitae), Labcorp
Classification: Uncertain significance. Last evaluated: 2025-02-11. Review status: criteria provided, single submitter. Criteria: Invitae Variant Classification Sherloc (09022015). Collection method: clinical testing. Allele origin: germline.
Comment: This sequence change replaces cysteine, which is neutral and slightly polar, with glycine, which is neutral and non-polar, at codon 1594 of the CHD4 protein (p.Cys1594Gly). This variant is not present in population databases (gnomAD no frequency). This variant has not been reported in the literature in individuals affected with CHD4-related conditions. An algorithm developed to predict the effect of missense changes on protein structure and function outputs the following: PolyPhen-2: "Benign". The glycine amino acid residue is found in multiple mammalian species, which suggests that this missense change does not adversely affect protein function. In summary, the available evidence is currently insufficient to determine the role of this variant in disease. Therefore, it has been classified as a Variant of Uncertain Significance.

NM_001273.5(CHD4):c.4780T>G (p.Cys1594Gly)

Genes: CHD4 (chromodomain helicase DNA binding protein 4; minus strand), CHD4-AS1 (CHD4 antisense RNA 1; plus strand). Cytogenetic location: 12p13.31.
Variant type: single nucleotide variant.
Coding change: c.4780T>G on transcript NM_001273.5 (MANE Select); coding-DNA position 4780, T replaced by G.
Protein change: p.Cys1594Gly; replaces cysteine 1594 with glycine.
Molecular consequence: missense variant.
Genome position (GRCh38, 1-based): chr12:6,581,173, A>C on the plus strand (T>G on the coding strand, the complement: CHD4 is on the minus strand). VCF-style: chr12-6581173-A-C. GRCh37 (hg19) VCF-style: chr12-6690339-A-C.
Other names: c.4759T>G, p.Cys1587Gly (NM_001297553.2); c.4741T>G, p.Cys1581Gly (NM_001363606.2); short protein forms C1587G, C1594G, C1581G.
Identifiers: ClinVar variation 4775884 (VCV004775884.1).
Genomic context (GRCh38, chr12:6,581,173, plus strand): 5'-CCTCAGGGGGTTCAACAACGACCTTTTCATCCTCTGAGGCAGGGGCAGGGGCCTGTGTAC[A>C]CTTCAAAGGAAAAAAAAACAAAAACAAAACAGATGAAGCAGACAGGCCAGCAACTAAAAG-3'
Protein context (NP_001264.2, residues 1584-1604): KSTAPETAIE[Cys1594Gly]TQAPAPASED